The following is an entry in ClinVar:

ClinVar aggregate classification (germline): Uncertain significance. Review status: criteria provided, multiple submitters, no conflicts (2 of 4 stars). 2 submissions from 2 submitters: Uncertain significance (2). Last evaluated 2025-10-21.

Conditions:
Inborn genetic diseases. Identifiers: MedGen C0950123, MeSH D030342.
Orthostatic hypotension 1 (ORTHYP1). Also called: Dopamine beta-hydroxylase deficiency; NORADRENALINE DEFICIENCY; NOREPINEPHRINE DEFICIENCY; Orthostatic hypotension 1, due to DBH deficiency. Identifiers: Orphanet 230, MedGen C4746777, MONDO:0009123, OMIM 223360.

Allele frequency attached by ClinVar (database versions not stated): gnomAD 0.00002; ExAC 0.00003; gnomAD exomes 0.00003 and 0.00004; TOPMed 0.00004; ESP Exome Variant Server 0.00015.
gnomAD v4.1: 60 of 1,613,636 alleles (0.0037%); highest among the groups gnomAD compares: Non-Finnish European, 0.0049%; no homozygotes.

Submissions (2):

Ambry Genetics
Classification: Uncertain significance for Inborn genetic diseases. Last evaluated: 2025-10-21. Review status: criteria provided, single submitter. Criteria: Ambry Variant Classification Scheme 2023. Collection method: clinical testing. Allele origin: germline.

Labcorp Genetics (formerly Invitae), Labcorp
Classification: Uncertain significance for Orthostatic hypotension 1. Last evaluated: 2024-10-15. Review status: criteria provided, single submitter. Criteria: Invitae Variant Classification Sherloc (09022015). Collection method: clinical testing. Allele origin: germline.
Comment: This sequence change replaces proline, which is neutral and non-polar, with serine, which is neutral and polar, at codon 140 of the DBH protein (p.Pro140Ser). This variant is present in population databases (rs78929918, gnomAD 0.006%). This variant has not been reported in the literature in individuals affected with DBH-related conditions. ClinVar contains an entry for this variant (Variation ID: 1439912). Invitae Evidence Modeling of protein sequence and biophysical properties (such as structural, functional, and spatial information, amino acid conservation, physicochemical variation, residue mobility, and thermodynamic stability) indicates that this missense variant is not expected to disrupt DBH protein function with a negative predictive value of 80%. In summary, the available evidence is currently insufficient to determine the role of this variant in disease. Therefore, it has been classified as a Variant of Uncertain Significance.

NM_000787.4(DBH):c.418C>T (p.Pro140Ser)

Gene: DBH (dopamine beta-hydroxylase; plus strand). Cytogenetic location: 9q34.2.
Variant type: single nucleotide variant.
Coding change: c.418C>T on transcript NM_000787.4 (MANE Select); coding-DNA position 418, C replaced by T.
Protein change: p.Pro140Ser; replaces proline 140 with serine.
Molecular consequence: missense variant.
Genome position (GRCh38, 1-based): chr9:133,639,924, C>T. VCF-style: chr9-133639924-C-T. GRCh37 (hg19) VCF-style: chr9-136505046-C-T.
Other names: c.418C>T (NM_000787.3); short protein forms P140S.
Identifiers: ClinVar variation 1439912 (VCV001439912.9), dbSNP rs78929918, ClinGen allele CA5313049.